The following is an entry in ClinVar:

ClinVar aggregate classification (germline): Uncertain significance. Review status: criteria provided, multiple submitters, no conflicts (2 of 4 stars). 2 submissions from 2 submitters: Uncertain significance (2). Last evaluated 2019-11-19.

Conditions:
Hereditary breast ovarian cancer syndrome. Also called: Hereditary breast and ovarian cancer syndrome; Hereditary breast and ovarian cancer; Hereditary breast and ovarian cancer syndrome (HBOC); Breast and ovarian cancer; Hereditary breast and/or ovarian cancer syndrome; BRCA1- and BRCA2-Associated Hereditary Breast and Ovarian Cancer. Identifiers: Orphanet 145, MedGen C0677776, MeSH D061325, MONDO:0003582. Disease mechanism: loss of function.
Hereditary cancer-predisposing syndrome. Also called: Neoplastic Syndromes, Hereditary; Tumor predisposition; Hereditary neoplastic syndrome; Hereditary Cancer Syndrome. Identifiers: Orphanet 140162, MedGen C0027672, MeSH D009386, MONDO:0015356.

Submissions (2):

Labcorp Genetics (formerly Invitae), Labcorp
Classification: Uncertain significance for Hereditary breast ovarian cancer syndrome. Last evaluated: 2019-11-19. Review status: criteria provided, single submitter. Criteria: Invitae Variant Classification Sherloc (09022015). Collection method: clinical testing. Allele origin: germline.
Comment: This sequence change replaces glycine with serine at codon 2353 of the BRCA2 protein (p.Gly2353Ser). The glycine residue is weakly conserved and there is a small physicochemical difference between glycine and serine. This variant is not present in population databases (ExAC no frequency). This variant has not been reported in the literature in individuals with BRCA2-related conditions. Algorithms developed to predict the effect of missense changes on protein structure and function are either unavailable or do not agree on the potential impact of this missense change (SIFT: "Tolerated"; PolyPhen-2: "Possibly Damaging"; Align-GVGD: "Class C0"). Algorithms developed to predict the effect of sequence changes on RNA splicing suggest that this variant may create or strengthen a splice site, but this prediction has not been confirmed by published transcriptional studies. In summary, the available evidence is currently insufficient to determine the role of this variant in disease. Therefore, it has been classified as a Variant of Uncertain Significance.

Ambry Genetics
Classification: Uncertain significance for Hereditary cancer-predisposing syndrome. Last evaluated: 2019-06-11. Review status: criteria provided, single submitter. Criteria: Ambry Variant Classification Scheme 2023. Collection method: clinical testing. Allele origin: germline.
Comment: The p.G2353S variant (also known as c.7057G>A), located in coding exon 13 of the BRCA2 gene, results from a G to A substitution at nucleotide position 7057. The glycine at codon 2353 is replaced by serine, an amino acid with similar properties. This amino acid position is poorly conserved in available vertebrate species. In addition, the in silico prediction for this alteration is inconclusive. Since supporting evidence is limited at this time, the clinical significance of this alteration remains unclear.

NM_000059.4(BRCA2):c.7057G>A (p.Gly2353Ser)

Gene: BRCA2 (BRCA2 DNA repair associated; plus strand). Cytogenetic location: 13q13.1.
Variant type: single nucleotide variant.
Coding change: c.7057G>A on transcript NM_000059.4 (MANE Select); coding-DNA position 7057, G replaced by A.
Protein change: p.Gly2353Ser; replaces glycine 2353 with serine.
Molecular consequence: missense variant.
Genome position (GRCh38, 1-based): chr13:32,354,910, G>A. VCF-style: chr13-32354910-G-A. GRCh37 (hg19) VCF-style: chr13-32929047-G-A.
Other names: short protein forms G2353S.
Identifiers: ClinVar variation 826802 (VCV000826802.14), dbSNP rs80358935, ClinGen allele CA387738313.